The following is an entry in ClinVar:

NM_000255.4(MMUT):c.404C>T (p.Ser135Leu)

Gene: MMUT (methylmalonyl-CoA mutase; minus strand). Cytogenetic location: 6p12.3.
Variant type: single nucleotide variant.
Coding change: c.404C>T on transcript NM_000255.4 (MANE Select); coding-DNA position 404, C replaced by T.
Protein change: p.Ser135Leu; replaces serine 135 with leucine.
Molecular consequence: missense variant.
Genome position (GRCh38, 1-based): chr6:49,458,040, G>A on the plus strand (C>T on the coding strand, the complement: MMUT is on the minus strand). VCF-style: chr6-49458040-G-A. GRCh37 (hg19) VCF-style: chr6-49425753-G-A.
Other names: c.404C>T (NM_000255.3); short protein forms S135L.
Identifiers: ClinVar variation 2433767 (VCV002433767.4), dbSNP rs2481347836, ClinGen allele CA364404795.

ClinVar aggregate classification (germline): Conflicting classifications of pathogenicity. Review status: criteria provided, conflicting classifications (1 of 4 stars). 2 submissions from 2 submitters: Likely pathogenic (1); Uncertain significance (1). Last evaluated 2025-11-12.

Conditions:
Methylmalonic aciduria due to methylmalonyl-CoA mutase deficiency (MAMM). Also called: Methylmalonic aciduria, mut type. Identifiers: Orphanet 27, MedGen C1855114, MONDO:0009612, OMIM 251000.

Allele frequency attached by ClinVar (database versions not stated): gnomAD exomes below 0.00001.
gnomAD v4.1: 1 of 1,601,310 alleles (0.000062%); highest among the groups gnomAD compares: Non-Finnish European, 0.000085%; no homozygotes.

Submissions (2):

Ambry Genetics
Classification: Likely pathogenic. Last evaluated: 2025-11-12. Review status: criteria provided, single submitter. Criteria: Ambry Variant Classification Scheme 2023. Collection method: clinical testing. Allele origin: germline.
Comment: The c.404C>T (p.S135L) alteration is located in exon 3 (coding exon 2) of the MUT gene. This alteration results from a C to T substitution at nucleotide position 404, causing the serine (S) at amino acid position 135 to be replaced by a leucine (L). This variant was not reported in population-based cohorts in the Genome Aggregation Database (gnomAD). This amino acid position is highly conserved in available vertebrate species. This alteration is predicted to be deleterious by in silico analysis. Based on the available evidence, this alteration is classified as likely pathogenic.

Revvity Omics, Revvity
Classification: Uncertain significance for Methylmalonic aciduria due to methylmalonyl-CoA mutase deficiency. Last evaluated: 2021-06-17. Review status: criteria provided, single submitter. Criteria: ACMG Guidelines, 2015. Collection method: clinical testing. Allele origin: germline.